The following is an entry in ClinVar:

NM_014874.4(MFN2):c.379G>C (p.Gly127Arg)

Gene: MFN2 (mitofusin 2; plus strand). Cytogenetic location: 1p36.22.
Variant type: single nucleotide variant.
Coding change: c.379G>C on transcript NM_014874.4 (MANE Select); coding-DNA position 379, G replaced by C.
Protein change: p.Gly127Arg; replaces glycine 127 with arginine.
Molecular consequence: missense variant.
Genome position (GRCh38, 1-based): chr1:11,996,223, G>C. VCF-style: chr1-11996223-G-C. GRCh37 (hg19) VCF-style: chr1-12056280-G-C.
Other names: c.379G>C, p.Gly127Arg (NM_001127660.2); short protein forms G127R.
Identifiers: ClinVar variation 2854205 (VCV002854205.3), dbSNP rs2523010895, ClinGen allele CA338434440.

ClinVar aggregate classification (germline): Likely pathogenic (1 of 4 stars; one submission).

Conditions:
Charcot-Marie-Tooth disease type 2. Also called: Charcot-Marie-Tooth type 2. Identifiers: Orphanet 64746, MedGen C0270914, MONDO:0018993.

Submission:

Labcorp Genetics (formerly Invitae), Labcorp
Classification: Likely pathogenic for Charcot-Marie-Tooth disease type 2. Last evaluated: 2023-04-09. Review status: criteria provided, single submitter. Criteria: Invitae Variant Classification Sherloc (09022015). Collection method: clinical testing. Allele origin: germline.
Comment: In summary, the currently available evidence indicates that the variant is pathogenic, but additional data are needed to prove that conclusively. Therefore, this variant has been classified as Likely Pathogenic. This variant disrupts the p.Gly127 amino acid residue in MFN2. Other variant(s) that disrupt this residue have been observed in individuals with MFN2-related conditions (PMID: 16762064, 16835246), which suggests that this may be a clinically significant amino acid residue. Advanced modeling of protein sequence and biophysical properties (such as structural, functional, and spatial information, amino acid conservation, physicochemical variation, residue mobility, and thermodynamic stability) performed at Invitae indicates that this missense variant is expected to disrupt MFN2 protein function. This missense change has been observed in individual(s) with clinical features of autosomal dominant Charcot-Marie-Tooth disease (Invitae). This variant is not present in population databases (gnomAD no frequency). This sequence change replaces glycine, which is neutral and non-polar, with arginine, which is basic and polar, at codon 127 of the MFN2 protein (p.Gly127Arg).

Literature cited by the submitters: PubMed 16762064; PubMed 16835246.